The following is an entry in ClinVar:

NM_014336.5(AIPL1):c.920T>C (p.Leu307Pro)

Gene: AIPL1 (AIP like 1 HSP90 co-chaperone; minus strand). Cytogenetic location: 17p13.2.
Variant type: single nucleotide variant.
Coding change: c.920T>C on transcript NM_014336.5 (MANE Select); coding-DNA position 920, T replaced by C.
Protein change: p.Leu307Pro; replaces leucine 307 with proline.
Molecular consequence: missense variant. On other transcripts: 3 prime UTR variant (1).
Genome position (GRCh38, 1-based): chr17:6,425,695, A>G on the plus strand (T>C on the coding strand, the complement: AIPL1 is on the minus strand). VCF-style: chr17-6425695-A-G. GRCh37 (hg19) VCF-style: chr17-6329015-A-G.
Other names: c.731T>C, p.Leu244Pro (NM_001033054.3); c.740T>C, p.Leu247Pro (NM_001033055.3); c.884T>C, p.Leu295Pro (NM_001285399.3); c.854T>C, p.Leu285Pro (NM_001285400.3); c.848T>C, p.Leu283Pro (NM_001285401.3); c.803T>C, p.Leu268Pro (NM_001285402.2); c.*891T>C (NM_001285403.4); short protein forms L247P, L283P, L285P, L295P, L244P, L268P, L307P.
Identifiers: ClinVar variation 1476120 (VCV001476120.8), dbSNP rs1458797810, ClinGen allele CA397394650.

ClinVar aggregate classification (germline): Uncertain significance (1 of 4 stars; one submission).

Conditions:
Leber congenital amaurosis 4 (LCA4). Identifiers: MedGen C1858386, MONDO:0011458, OMIM 604393.

Allele frequency attached by ClinVar (database versions not stated): gnomAD exomes below 0.00001.

Submission:

Labcorp Genetics (formerly Invitae), Labcorp
Classification: Uncertain significance for Leber congenital amaurosis 4. Last evaluated: 2024-02-24. Review status: criteria provided, single submitter. Criteria: Invitae Variant Classification Sherloc (09022015). Collection method: clinical testing. Allele origin: germline.
Comment: This sequence change replaces leucine, which is neutral and non-polar, with proline, which is neutral and non-polar, at codon 307 of the AIPL1 protein (p.Leu307Pro). This variant is present in population databases (no rsID available, gnomAD 0.005%). This variant has not been reported in the literature in individuals affected with AIPL1-related conditions. ClinVar contains an entry for this variant (Variation ID: 1476120). Advanced modeling of protein sequence and biophysical properties (such as structural, functional, and spatial information, amino acid conservation, physicochemical variation, residue mobility, and thermodynamic stability) performed at Invitae indicates that this missense variant is not expected to disrupt AIPL1 protein function with a negative predictive value of 80%. In summary, the available evidence is currently insufficient to determine the role of this variant in disease. Therefore, it has been classified as a Variant of Uncertain Significance.